The following is an entry in ClinVar:

ClinVar aggregate classification (germline): Conflicting classifications of pathogenicity. Review status: criteria provided, conflicting classifications (1 of 4 stars). 6 submissions from 6 submitters: Uncertain significance (3); Likely benign (2). 1 of the submissions does not count toward it. Last evaluated 2024-10-21.

Conditions:
EPS8-related disorder. Also called: EPS8-related condition.

Allele frequency attached by ClinVar (database versions not stated): gnomAD 0.00009 and 0.00014; ESP Exome Variant Server 0.00015; TOPMed 0.00022; gnomAD exomes 0.00024 and 0.00038; 1000 Genomes Project 30x 0.00031; 1000 Genomes Project 0.00040; ExAC 0.00040.
gnomAD v4.1: 399 of 1,604,050 alleles (0.025%); highest among the groups gnomAD compares: Middle Eastern, 1.6%; 2 homozygotes.

Submissions (6):

Blueprint Genetics
Classification: Likely benign. Last evaluated: 2024-10-21. Review status: criteria provided, single submitter. Criteria: ACMG Guidelines, 2015. Collection method: clinical testing. Allele origin: germline.

CeGaT Center for Human Genetics Tuebingen
Classification: Uncertain significance. Last evaluated: 2023-05-01. Review status: criteria provided, single submitter. Criteria: CeGaT Center For Human Genetics Tuebingen Variant Classification Criteria Version 2. Collection method: clinical testing. Allele origin: germline. Affected: yes. Observed: 1 variant allele.

Labcorp Genetics (formerly Invitae), Labcorp
Classification: Uncertain significance. Last evaluated: 2022-09-12. Review status: criteria provided, single submitter. Criteria: Invitae Variant Classification Sherloc (09022015). Collection method: clinical testing. Allele origin: germline.
Comment: This sequence change replaces lysine, which is basic and polar, with glutamine, which is neutral and polar, at codon 608 of the EPS8 protein (p.Lys608Gln). This variant is present in population databases (rs200844984, gnomAD 0.07%). This variant has not been reported in the literature in individuals affected with EPS8-related conditions. ClinVar contains an entry for this variant (Variation ID: 500289). Algorithms developed to predict the effect of missense changes on protein structure and function are either unavailable or do not agree on the potential impact of this missense change (SIFT: "Tolerated"; PolyPhen-2: "Possibly Damaging"; Align-GVGD: "Class C0"). In summary, the available evidence is currently insufficient to determine the role of this variant in disease. Therefore, it has been classified as a Variant of Uncertain Significance.

GeneDx
Classification: Likely benign. Last evaluated: 2021-04-21. Review status: criteria provided, single submitter. Criteria: GeneDx Variant Classification Process June 2021. Collection method: clinical testing. Allele origin: germline. Affected: yes.

Eurofins Ntd Llc (ga)
Classification: Uncertain significance. Last evaluated: 2017-03-02. Review status: criteria provided, single submitter. Criteria: EGL Classification Definitions 2015. Collection method: clinical testing. Allele origin: germline. Observed: 1 variant allele, 1 heterozygote.

PreventionGenetics, part of Exact Sciences
Classification: Uncertain significance for EPS8-related condition. Last evaluated: 2024-09-05. Review status: no assertion criteria provided. Collection method: clinical testing. Allele origin: germline. Not counted in ClinVar's aggregate classification.
Comment: The EPS8 c.1822A>C variant is predicted to result in the amino acid substitution p.Lys608Gln. To our knowledge, this variant has not been reported in the literature. This variant is reported in 0.066% of alleles in individuals of South Asian descent in gnomAD. Although we suspect that this variant may be benign, at this time, the clinical significance of this variant is uncertain due to the absence of conclusive functional and genetic evidence.

NM_004447.6(EPS8):c.1822A>C (p.Lys608Gln)

Gene: EPS8 (EGFR pathway substrate 8, signaling adaptor; minus strand). Cytogenetic location: 12p12.3.
Variant type: single nucleotide variant.
Coding change: c.1822A>C on transcript NM_004447.6 (MANE Select); coding-DNA position 1822, A replaced by C.
Protein change: p.Lys608Gln; replaces lysine 608 with glutamine.
Molecular consequence: missense variant.
Genome position (GRCh38, 1-based): chr12:15,631,664, T>G on the plus strand (A>C on the coding strand, the complement: EPS8 is on the minus strand). VCF-style: chr12-15631664-T-G. GRCh37 (hg19) VCF-style: chr12-15784598-T-G.
Other names: short protein forms K608Q.
Identifiers: ClinVar variation 500289 (VCV000500289.40), dbSNP rs200844984, ClinGen allele CA6467431.